The following is an entry in ClinVar:

NM_005445.4(SMC3):c.291A>G (p.Ser97=)

Gene: SMC3 (structural maintenance of chromosomes 3; plus strand). Cytogenetic location: 10q25.2.
Variant type: single nucleotide variant.
Coding change: c.291A>G on transcript NM_005445.4 (MANE Select); coding-DNA position 291, A replaced by G.
Protein change: p.Ser97=; no amino-acid change (serine 97 retained).
Molecular consequence: synonymous variant.
Genome position (GRCh38, 1-based): chr10:110,577,855, A>G. VCF-style: chr10-110577855-A-G. GRCh37 (hg19) VCF-style: chr10-112337613-A-G.
Identifiers: ClinVar variation 4909497 (VCV004909497.2).

ClinVar aggregate classification (germline): Likely benign. Review status: criteria provided, multiple submitters, no conflicts (2 of 4 stars). 2 submissions from 2 submitters: Likely benign (2). Last evaluated 2024-10-21.

Conditions:
SMC3-related disorder. Also called: SMC3-related condition.

gnomAD v4.1: 2 of 1,611,370 alleles (0.00012%); highest among the groups gnomAD compares: Admixed American, 0.0033%; no homozygotes.

Submissions (2):

PreventionGenetics, part of Exact Sciences
Classification: Likely benign for SMC3-related condition. Last evaluated: 2024-10-21. Review status: criteria provided, single submitter. Criteria: ACMG Guidelines, 2015. Collection method: clinical testing. Allele origin: germline.
Comment: This variant is classified as likely benign based on ACMG/AMP sequence variant interpretation guidelines (Richards et al. 2015 PMID: 25741868, with internal and published modifications).

Blueprint Genetics
Classification: Likely benign. Last evaluated: 2019-11-21. Review status: criteria provided, single submitter. Criteria: ACMG Guidelines, 2015. Collection method: clinical testing. Allele origin: germline.